The following is an entry in ClinVar:

NM_000026.4(ADSL):c.955del (p.Leu319fs)

Gene: ADSL (adenylosuccinate lyase; plus strand). Cytogenetic location: 22q13.1.
Variant type: Deletion.
Coding change: c.955del on transcript NM_000026.4 (MANE Select); coding-DNA position 955, one base deleted (C; older notation c.955delC).
Protein change: p.Leu319fs; shifts the reading frame from leucine 319.
Molecular consequence: frameshift variant. On other transcripts: non-coding transcript variant (1).
Genome position (GRCh38, 1-based): chr22:40,361,580, C deleted. VCF-style (leftmost placement, unchanged base first): chr22-40361579-GC-G. GRCh37 (hg19) VCF-style: chr22-40757583-GC-G.
Other names: c.955del, p.Leu319fs (NM_001123378.3, NM_001363840.3); c.763del, p.Leu255fs (NM_001317923.2); short protein forms L255fs, L319fs.
Identifiers: ClinVar variation 1074151 (VCV001074151.7), dbSNP rs1569099793, ClinGen allele CA639413426.
Genomic context (GRCh38, chr22:40,361,579, plus strand): 5'-CATGCGTTCAGAACGTTGCTGCAGTCTTGCCCGCCACCTGATGACCCTTGTCATGGACCC[GC>G]TACAGACAGCATCTGTCCAGTGGTTTGAACGCACACTGGATGATAGTGCCAACCGGTCAG-3'

ClinVar aggregate classification (germline): Pathogenic (1 of 4 stars; one submission).

Conditions:
Adenylosuccinate lyase deficiency (ADSLD). Also called: ADSL DEFICIENCY. Identifiers: Orphanet 46, MedGen C0268126, MONDO:0007068, OMIM 103050.

Allele frequency attached by ClinVar (database versions not stated): gnomAD exomes below 0.00001.

Submission:

Labcorp Genetics (formerly Invitae), Labcorp
Classification: Pathogenic for Adenylosuccinate lyase deficiency. Last evaluated: 2024-09-17. Review status: criteria provided, single submitter. Criteria: Invitae Variant Classification Sherloc (09022015). Collection method: clinical testing. Allele origin: germline.
Comment: This sequence change creates a premature translational stop signal (p.Leu319Tyrfs*34) in the ADSL gene. It is expected to result in an absent or disrupted protein product. Loss-of-function variants in ADSL are known to be pathogenic (PMID: 10888601, 20177786). This variant is present in population databases (no rsID available, gnomAD 0.003%). This variant has not been reported in the literature in individuals affected with ADSL-related conditions. ClinVar contains an entry for this variant (Variation ID: 1074151). Algorithms developed to predict the effect of sequence changes on RNA splicing suggest that this variant may disrupt the consensus splice site. For these reasons, this variant has been classified as Pathogenic.

Literature cited by the submitters: PubMed 10888601; PubMed 20177786.